The following is an entry in ClinVar:

ClinVar aggregate classification (germline): Uncertain significance (1 of 4 stars; one submission).

Conditions:
Retinal arterial tortuosity. Also called: RETINAL HEMORRHAGE WITH VASCULAR TORTUOSITY; Retinal arteries, tortuosity of. Identifiers: Orphanet 75326, MedGen C0423401, MONDO:0008373, OMIM 180000, HP:0000631.
Hemorrhage, intracerebral, susceptibility to (ICH). Also called: Stroke, hemorrhagic, susceptibility to. Identifiers: MedGen C3281105, MONDO:0100533, OMIM 614519.
Autosomal dominant familial hematuria-retinal arteriolar tortuosity-contractures syndrome. Also called: Angiopathy, hereditary, with nephropathy, aneurysms, and muscle cramps; Hereditary Angiopathy with Nephropathy, Aneurysms, and Muscle Cramps (HANAC) Syndrome. Identifiers: Orphanet 73229, MedGen C2673195, MONDO:0012726, OMIM 611773.
Microangiopathy and leukoencephalopathy, pontine, autosomal dominant. Also called: Pontine autosomal dominant microangiopathy with leukoencephalopathy; DEMENTIA, HEREDITARY MULTI-INFARCT, SWEDISH TYPE. Identifiers: Orphanet 477749, MedGen C5231411, MONDO:0032814, OMIM 618564.
Brain small vessel disease 1 with or without ocular anomalies (BSVD1). Also called: GOULD SYNDROME 1; PORENCEPHALY, TYPE 1, AUTOSOMAL DOMINANT; Brain small vessel disease with or without ocular anomalies; BRAIN SMALL VESSEL DISEASE WITH HEMORRHAGE. Identifiers: Orphanet 2940, Orphanet 36383, Orphanet 99810, MedGen C4755307, MONDO:0008289, OMIM 175780.

Submission:

Juno Genomics, Hangzhou Juno Genomics, Inc
Classification: Uncertain significance for Retinal arterial tortuosity; Hemorrhage, intracerebral, susceptibility to; Autosomal dominant familial hematuria-retinal arteriolar tortuosity-contractures syndrome; Brain small vessel disease 1 with or without ocular anomalies; Microangiopathy and leukoencephalopathy, pontine, autosomal dominant. Review status: criteria provided, single submitter. Criteria: ACMG Guidelines, 2015. Collection method: clinical testing. Allele origin: germline.
Comment: Absent from controls (or at extremely low frequency if recessive) in Genome Aggregation Database.;Multiple lines of computational evidence support a deleterious effect on the gene or gene product.

NM_001845.6(COL4A1):c.4478G>C (p.Cys1493Ser)

Gene: COL4A1 (collagen type IV alpha 1 chain; minus strand). Cytogenetic location: 13q34.
Variant type: single nucleotide variant.
Coding change: c.4478G>C on transcript NM_001845.6 (MANE Select); coding-DNA position 4478, G replaced by C.
Protein change: p.Cys1493Ser; replaces cysteine 1493 with serine.
Molecular consequence: missense variant.
Genome position (GRCh38, 1-based): chr13:110,161,354, C>G on the plus strand (G>C on the coding strand, the complement: COL4A1 is on the minus strand). VCF-style: chr13-110161354-C-G. GRCh37 (hg19) VCF-style: chr13-110813701-C-G.
Other names: short protein forms C1493S.
Identifiers: ClinVar variation 5005219 (VCV005005219.2).